The following is an entry in ClinVar:

NM_001018115.3(FANCD2):c.1948-19G>T

Genes: FANCD2 (FA complementation group D2; plus strand), LOC107303338 (3p25 FANCD2 Alu-mediated recombination region; plus strand). Cytogenetic location: 3p25.3.
Variant type: single nucleotide variant.
Coding change: c.1948-19G>T on transcript NM_001018115.3 (MANE Select); 19 bases into the intron before coding-DNA position 1948, G replaced by T.
Molecular consequence: intron variant.
Genome position (GRCh38, 1-based): chr3:10,064,337, G>T. VCF-style: chr3-10064337-G-T. GRCh37 (hg19) VCF-style: chr3-10106021-G-T.
Other names: c.1948-19G>T (NM_001319984.2, NM_033084.6, NM_001374254.1); c.1837-19G>T (NM_001374253.1).
Identifiers: ClinVar variation 3056224 (VCV003056224.3), dbSNP rs778203905, ClinGen allele CA2249899.
Genomic context (GRCh38, chr3:10,064,337, plus strand): 5'-AAAGGTTAAGAGTAATTTATCTAGGGCTGTACAGCAAGTACACTCTGCACTGCCCTTTTT[G>T]TTTGTTTGCTTCCTGAAGGAATGGGTTGGGCATACCATCTGTAATGATTTCCAGGATGCC-3'

ClinVar aggregate classification (germline): Likely benign. Review status: criteria provided, single submitter (1 of 4 stars). 2 submissions from 2 submitters: Likely benign (1). 1 of the submissions does not count toward it. Last evaluated 2024-09-19.

Conditions:
FANCD2-related disorder. Also called: FANCD2-related condition.

Allele frequency attached by ClinVar (database versions not stated): ExAC 0.00001.

Submissions (2):

Blueprint Genetics
Classification: Likely benign. Last evaluated: 2024-09-19. Review status: criteria provided, single submitter. Criteria: ACMG Guidelines, 2015. Collection method: clinical testing. Allele origin: germline.

PreventionGenetics, part of Exact Sciences
Classification: Likely benign for FANCD2-related condition. Last evaluated: 2021-11-05. Review status: no assertion criteria provided. Collection method: clinical testing. Allele origin: germline. Not counted in ClinVar's aggregate classification.
Comment: This variant is classified as likely benign based on ACMG/AMP sequence variant interpretation guidelines (Richards et al. 2015 PMID: 25741868, with internal and published modifications).